The following is an entry in ClinVar:

ClinVar aggregate classification (germline): Likely benign. Review status: criteria provided, multiple submitters, no conflicts (2 of 4 stars). 2 submissions from 2 submitters: Likely benign (2). Last evaluated 2025-03-03.

Conditions:
Pheochromocytoma/paraganglioma syndrome 5. Also called: Paragangliomas 5; SDHA-Related Hereditary Paraganglioma-Pheochromocytoma Syndrome. Identifiers: Orphanet 29072, MedGen C3279992, MONDO:0013602, OMIM 614165.
Mitochondrial complex II deficiency, nuclear type 1. Also called: SUCCINATE CoQ REDUCTASE DEFICIENCY. Identifiers: Orphanet 3208, MedGen C5700310, MONDO:0100294, OMIM 252011.

Allele frequency attached by ClinVar (database versions not stated): gnomAD exomes below 0.00001; gnomAD 0.00001; TOPMed 0.00001.
gnomAD v4.1: 3 of 1,612,886 alleles (0.00019%); highest among the groups gnomAD compares: Non-Finnish European, 0.00017%; no homozygotes.

Submissions (2):

Myriad Genetics, Inc.
Classification: Likely benign for Pheochromocytoma/paraganglioma syndrome 5. Last evaluated: 2025-03-03. Review status: criteria provided, single submitter. Criteria: Myriad Autosomal Dominant, Autosomal Recessive and X-Linked Classification Criteria (2023). Collection method: clinical testing. Allele origin: unknown.
Comment: This variant is considered likely benign. This variant is intronic and is not expected to impact mRNA splicing.

Labcorp Genetics (formerly Invitae), Labcorp
Classification: Likely benign for Pheochromocytoma/paraganglioma syndrome 5; Mitochondrial complex II deficiency, nuclear type 1. Last evaluated: 2021-11-24. Review status: criteria provided, single submitter. Criteria: Invitae Variant Classification Sherloc (09022015). Collection method: clinical testing. Allele origin: germline.

NM_004168.4(SDHA):c.770+7A>T

Gene: SDHA (succinate dehydrogenase complex flavoprotein subunit A; plus strand). Cytogenetic location: 5p15.33.
Variant type: single nucleotide variant.
Coding change: c.770+7A>T on transcript NM_004168.4 (MANE Select); 7 bases into the intron after coding-DNA position 770, A replaced by T.
Molecular consequence: intron variant.
Genome position (GRCh38, 1-based): chr5:228,340, A>T. VCF-style: chr5-228340-A-T. GRCh37 (hg19) VCF-style: chr5-228455-A-T.
Other names: c.770+7A>T (NM_001330758.2); c.626+7A>T (NM_001294332.2).
Identifiers: ClinVar variation 1638748 (VCV001638748.9), dbSNP rs770997653, ClinGen allele CA808910344.